The following is an entry in ClinVar:

ClinVar aggregate classification (germline): Uncertain significance (1 of 4 stars; one submission).

Conditions:
Inborn genetic diseases. Identifiers: MedGen C0950123, MeSH D030342.

gnomAD v4.1: 3 of 1,614,206 alleles (0.00019%); highest among the groups gnomAD compares: Non-Finnish European, 0.00025%; no homozygotes.

Submission:

Ambry Genetics
Classification: Uncertain significance for Inborn genetic diseases. Last evaluated: 2026-03-10. Review status: criteria provided, single submitter. Criteria: Ambry Variant Classification Scheme 2023. Collection method: clinical testing. Allele origin: germline.
Comment: The p.H233R variant (also known as c.698A>G), located in coding exon 6 of the FANCG gene, results from an A to G substitution at nucleotide position 698. The histidine at codon 233 is replaced by arginine, an amino acid with highly similar properties. This amino acid position is conserved. In addition, this alteration is predicted to be tolerated by in silico analysis. Based on the available evidence, the clinical significance of this variant remains unclear.

NM_004629.2(FANCG):c.698A>G (p.His233Arg)

Gene: FANCG (FA complementation group G; minus strand). Cytogenetic location: 9p13.3.
Variant type: single nucleotide variant.
Coding change: c.698A>G on transcript NM_004629.2 (MANE Select); coding-DNA position 698, A replaced by G.
Protein change: p.His233Arg; replaces histidine 233 with arginine.
Molecular consequence: missense variant.
Genome position (GRCh38, 1-based): chr9:35,077,050, T>C on the plus strand (A>G on the coding strand, the complement: FANCG is on the minus strand). VCF-style: chr9-35077050-T-C. GRCh37 (hg19) VCF-style: chr9-35077047-T-C.
Other names: short protein forms H233R.
Identifiers: ClinVar variation 4825758 (VCV004825758.1).
Genomic context (GRCh38, chr9:35,077,050, plus strand): 5'-CCCAGTGCTGTGTACACCTGGACCAACACAGGCCGTGGACACAGGCCTGAGGCCGCTTCA[T>C]GAAGGCTGCTTAGTGCCTTGTCTGGGTTCCCTGTGATCAGCTCCTGGAGACCTGAGGACA-3'
Protein context (NP_004620.1, residues 223-243): GNPDKALSSL[His233Arg]EAASGLCPRP